The following is an entry in ClinVar:

ClinVar aggregate classification (germline): Uncertain significance (1 of 4 stars; one submission).

Conditions:
Brugada syndrome 8 (BRGDA8). Identifiers: Orphanet 130, MedGen C2751083, MONDO:0013148, OMIM 613123.

Submission:

Labcorp Genetics (formerly Invitae), Labcorp
Classification: Uncertain significance for Brugada syndrome 8. Last evaluated: 2022-12-25. Review status: criteria provided, single submitter. Criteria: Invitae Variant Classification Sherloc (09022015). Collection method: clinical testing. Allele origin: germline.
Comment: Advanced modeling of protein sequence and biophysical properties (such as structural, functional, and spatial information, amino acid conservation, physicochemical variation, residue mobility, and thermodynamic stability) performed at Invitae indicates that this missense variant is not expected to disrupt HCN4 protein function. In summary, the available evidence is currently insufficient to determine the role of this variant in disease. Therefore, it has been classified as a Variant of Uncertain Significance. This variant has not been reported in the literature in individuals affected with HCN4-related conditions. This variant is not present in population databases (gnomAD no frequency). This sequence change replaces proline, which is neutral and non-polar, with serine, which is neutral and polar, at codon 6 of the HCN4 protein (p.Pro6Ser).

NM_005477.3(HCN4):c.16C>T (p.Pro6Ser)

Gene: HCN4 (hyperpolarization activated cyclic nucleotide gated potassium channel 4; minus strand). Cytogenetic location: 15q24.1.
Variant type: single nucleotide variant.
Coding change: c.16C>T on transcript NM_005477.3 (MANE Select); coding-DNA position 16, C replaced by T.
Protein change: p.Pro6Ser; replaces proline 6 with serine.
Molecular consequence: missense variant.
Genome position (GRCh38, 1-based): chr15:73,368,255, G>A on the plus strand (C>T on the coding strand, the complement: HCN4 is on the minus strand). VCF-style: chr15-73368255-G-A. GRCh37 (hg19) VCF-style: chr15-73660596-G-A.
Other names: short protein forms P6S.
Identifiers: ClinVar variation 2093754 (VCV002093754.4), dbSNP rs2549080774, ClinGen allele CA393099267.